The following is an entry in ClinVar:

ClinVar aggregate classification (germline): Likely pathogenic (1 of 4 stars; one submission).

Conditions:
OTUD5-related disorder. Also called: OTUD5-related condition.

Submission:

PreventionGenetics, part of Exact Sciences
Classification: Likely pathogenic for OTUD5-related condition. Last evaluated: 2023-02-28. Review status: criteria provided, single submitter. Criteria: ACMG Guidelines, 2015. Collection method: clinical testing. Allele origin: germline.
Comment: The OTUD5 c.1115C>T variant is predicted to result in the amino acid substitution p.Ser372Leu. To our knowledge, this variant has not been reported in the literature or in a large population database, indicating this variant is rare. Furthermore, de novo missense variants have been reported in individuals with multiple congenital anomalies and neurodevelopmental phenotypes (see, for example. Beck et al. 2021. PubMed ID: 33523931). Taken together, we interpret this variant as likely pathogenic.

NM_001136157.2(OTUD5):c.1100C>T (p.Ser367Leu)

Gene: OTUD5 (OTU deubiquitinase 5; minus strand). Cytogenetic location: Xp11.23.
Variant type: single nucleotide variant.
Coding change: c.1100C>T on transcript NM_001136157.2 (MANE Select); coding-DNA position 1100, C replaced by T.
Protein change: p.Ser367Leu; replaces serine 367 with leucine.
Molecular consequence: missense variant.
Genome position (GRCh38, 1-based): chrX:48,926,010, G>A on the plus strand (C>T on the coding strand, the complement: OTUD5 is on the minus strand). VCF-style: chrX-48926010-G-A. GRCh37 (hg19) VCF-style: chrX-48783286-G-A.
Other names: c.1100C>T, p.Ser367Leu (NM_001136158.2); c.449C>T, p.Ser150Leu (NM_001136159.2); c.1115C>T, p.Ser372Leu (NM_017602.4); short protein forms S150L, S367L, S372L.
Identifiers: ClinVar variation 2629974 (VCV002629974.1), dbSNP rs2519728724, ClinGen allele CA412909018.
Genomic context (GRCh38, chrX:48,926,010, plus strand): 5'-TCCCAGTCTGTGGCCCGTTTCTTGTCTTCTAGCATCTGCTGTTCAATCCATGACTCCTCC[G>A]ATGTTTTTATGGCATTCTTCATCAGAGACTGCTCTGCAAACTGCAAGGAGGGAGAGGAAC-3'
Protein context (NP_001129629.1, residues 357-377): QSLMKNAIKT[Ser367Leu]EESWIEQQML